The following is an entry in ClinVar:

ClinVar aggregate classification (germline): Uncertain significance. Review status: criteria provided, multiple submitters, no conflicts (2 of 4 stars). 2 submissions from 2 submitters: Uncertain significance (2). Last evaluated 2025-07-20.

Allele frequency attached by ClinVar (database versions not stated): TOPMed 0.00003; gnomAD 0.00004; gnomAD exomes 0.00006; ExAC 0.00019.
gnomAD v4.1: 93 of 1,520,206 alleles (0.0061%); highest among the groups gnomAD compares: Non-Finnish European, 0.0077%; no homozygotes.

Submissions (2):

Labcorp Genetics (formerly Invitae), Labcorp
Classification: Uncertain significance. Last evaluated: 2025-07-20. Review status: criteria provided, single submitter. Criteria: Invitae Variant Classification Sherloc (09022015). Collection method: clinical testing. Allele origin: germline.
Comment: This sequence change replaces glutamic acid, which is acidic and polar, with lysine, which is basic and polar, at codon 433 of the RELA protein (p.Glu433Lys). This variant is present in population databases (rs774718207, gnomAD 0.01%). This variant has not been reported in the literature in individuals affected with RELA-related conditions. ClinVar contains an entry for this variant (Variation ID: 1429257). An algorithm developed to predict the effect of missense changes on protein structure and function (PolyPhen-2) suggests that this variant is likely to be tolerated. In summary, the available evidence is currently insufficient to determine the role of this variant in disease. Therefore, it has been classified as a Variant of Uncertain Significance.

Ambry Genetics
Classification: Uncertain significance. Last evaluated: 2024-12-16. Review status: criteria provided, single submitter. Criteria: Ambry Variant Classification Scheme 2023. Collection method: clinical testing. Allele origin: germline.

NM_021975.4(RELA):c.1297G>A (p.Glu433Lys)

Gene: RELA (RELA proto-oncogene, NF-kB subunit; minus strand). Cytogenetic location: 11q13.1.
Variant type: single nucleotide variant.
Coding change: c.1297G>A on transcript NM_021975.4 (MANE Select); coding-DNA position 1297, G replaced by A.
Protein change: p.Glu433Lys; replaces glutamic acid 433 with lysine.
Molecular consequence: missense variant. On other transcripts: intron variant (1).
Genome position (GRCh38, 1-based): chr11:65,654,737, C>T on the plus strand (G>A on the coding strand, the complement: RELA is on the minus strand). VCF-style: chr11-65654737-C-T. GRCh37 (hg19) VCF-style: chr11-65422208-C-T.
Other names: c.1297G>A (NM_021975.3); c.1288G>A, p.Glu430Lys (NM_001145138.2); c.1090G>A, p.Glu364Lys (NM_001243984.2); c.1215+82G>A (NM_001243985.2); short protein forms E433K, E364K, E430K.
Identifiers: ClinVar variation 1429257 (VCV001429257.8), dbSNP rs774718207, ClinGen allele CA6106622.